The following is an entry in ClinVar:

ClinVar aggregate classification (germline): Uncertain significance (1 of 4 stars; one submission).

Allele frequency attached by ClinVar (database versions not stated): gnomAD 0.00001; gnomAD exomes 0.00001 and 0.00002; TOPMed 0.00001; ExAC 0.00002.
gnomAD v4.1: 12 of 1,209,784 alleles (0.00099%); highest among the groups gnomAD compares: Non-Finnish European, 0.0013%; no homozygotes.

Submission:

Labcorp Genetics (formerly Invitae), Labcorp
Classification: Uncertain significance. Last evaluated: 2025-03-03. Review status: criteria provided, single submitter. Criteria: Invitae Variant Classification Sherloc (09022015). Collection method: clinical testing. Allele origin: germline.
Comment: This sequence change replaces glutamine, which is neutral and polar, with lysine, which is basic and polar, at codon 628 of the DRP2 protein (p.Gln628Lys). This variant is present in population databases (rs761854393, gnomAD 0.004%). This variant has not been reported in the literature in individuals affected with DRP2-related conditions. ClinVar contains an entry for this variant (Variation ID: 1358217). Invitae Evidence Modeling of protein sequence and biophysical properties (such as structural, functional, and spatial information, amino acid conservation, physicochemical variation, residue mobility, and thermodynamic stability) has been performed for this missense variant. However, the output from this modeling did not meet the statistical confidence thresholds required to predict the impact of this variant on DRP2 protein function. In summary, the available evidence is currently insufficient to determine the role of this variant in disease. Therefore, it has been classified as a Variant of Uncertain Significance.

NM_001939.3(DRP2):c.1882C>A (p.Gln628Lys)

Gene: DRP2 (dystrophin related protein 2; plus strand). Cytogenetic location: Xq22.1.
Variant type: single nucleotide variant.
Coding change: c.1882C>A on transcript NM_001939.3 (MANE Select); coding-DNA position 1882, C replaced by A.
Protein change: p.Gln628Lys; replaces glutamine 628 with lysine.
Molecular consequence: missense variant.
Genome position (GRCh38, 1-based): chrX:101,252,621, C>A. VCF-style: chrX-101252621-C-A. GRCh37 (hg19) VCF-style: chrX-100507610-C-A.
Other names: c.1648C>A, p.Gln550Lys (NM_001171184.2); short protein forms Q628K, Q550K.
Identifiers: ClinVar variation 1358217 (VCV001358217.8), dbSNP rs761854393, ClinGen allele CA10472364.